The following is an entry in ClinVar:

NM_002471.4(MYH6):c.3165del (p.Lys1056fs)

Gene: MYH6 (myosin heavy chain 6; minus strand). Cytogenetic location: 14q11.2.
Variant type: Deletion.
Coding change: c.3165del on transcript NM_002471.4 (MANE Select); coding-DNA position 3165, one base deleted (G; older notation c.3165delG).
Protein change: p.Lys1056fs; shifts the reading frame from lysine 1056.
Molecular consequence: frameshift variant.
Genome position (GRCh38, 1-based): chr14:23,392,998, C deleted on the plus strand (G on the coding strand, the reverse complement: MYH6 is on the minus strand); the first of 2 consecutive C bases (chr14:23,392,998-23,392,999); deleting either gives the same sequence. VCF-style (leftmost placement, unchanged base first): chr14-23392997-TC-T. GRCh37 (hg19) VCF-style: chr14-23862206-TC-T.
Other names: short protein forms K1056fs.
Identifiers: ClinVar variation 4717961 (VCV004717961.1).
Genomic context (GRCh38, chr14:23,392,997, plus strand): 5'-GTTTATCATTTTCCAGGTCCATGATGCTCTCCTGGGTCAGCTTCAGGTCGCCCTCCAGTT[TC>T]CGCTTTGCTCGCTCCAGGTCCATGCGCACCTTCTTCTCTTGCTCTAGGGATCCCTCCAGC-3'

ClinVar aggregate classification (germline): Uncertain significance (1 of 4 stars; one submission).

Conditions:
Hypertrophic cardiomyopathy 14. Identifiers: MedGen C2750467, MONDO:0013197, OMIM 613251.

Submission:

Labcorp Genetics (formerly Invitae), Labcorp
Classification: Uncertain significance for Hypertrophic cardiomyopathy 14. Last evaluated: 2025-04-26. Review status: criteria provided, single submitter. Criteria: Invitae Variant Classification Sherloc (09022015). Collection method: clinical testing. Allele origin: germline.
Comment: This sequence change creates a premature translational stop signal (p.Lys1056Asnfs*6) in the MYH6 gene. It is expected to result in an absent or disrupted protein product. However, the current clinical and genetic evidence is not sufficient to establish whether loss-of-function variants in MYH6 cause disease. This variant is not present in population databases (gnomAD no frequency). This variant has not been reported in the literature in individuals affected with MYH6-related conditions. In summary, the available evidence is currently insufficient to determine the role of this variant in disease. Therefore, it has been classified as a Variant of Uncertain Significance.